The following is an entry in ClinVar:

NM_006371.5(CRTAP):c.76G>T (p.Ala26Ser)

Gene: CRTAP (cartilage associated protein; plus strand). Cytogenetic location: 3p22.3.
Variant type: single nucleotide variant.
Coding change: c.76G>T on transcript NM_006371.5 (MANE Select); coding-DNA position 76, G replaced by T.
Protein change: p.Ala26Ser; replaces alanine 26 with serine.
Molecular consequence: missense variant.
Genome position (GRCh38, 1-based): chr3:33,114,153, G>T. VCF-style: chr3-33114153-G-T. GRCh37 (hg19) VCF-style: chr3-33155645-G-T.
Other names: c.76G>T, p.Ala26Ser (NM_001393363.1, NM_001393364.1, NM_001393365.1); short protein forms A26S.
Identifiers: ClinVar variation 3600945 (VCV003600945.3).

ClinVar aggregate classification (germline): Uncertain significance. Review status: criteria provided, multiple submitters, no conflicts (2 of 4 stars). 3 submissions from 3 submitters: Uncertain significance (3). Last evaluated 2024-12-19.

Conditions:
Inborn genetic diseases. Identifiers: MedGen C0950123, MeSH D030342.
Osteogenesis imperfecta type 7 (OI7). Also called: OSTEOGENESIS IMPERFECTA, TYPE IIB; Osteogenesis imperfecta type 2B; OI type 2B; Osteogenesis imperfecta, perinatal lethal autosomal recessive; OI type IIB; OI type 7. Identifiers: MedGen C1853162, MONDO:0012536, OMIM 610682.

gnomAD v4.1: 19 of 1,583,274 alleles (0.0012%); highest among the groups gnomAD compares: African/African-American, 0.0083%; no homozygotes.

Submissions (3):

Labcorp Genetics (formerly Invitae), Labcorp
Classification: Uncertain significance for Osteogenesis imperfecta type 7. Last evaluated: 2024-12-19. Review status: criteria provided, single submitter. Criteria: Invitae Variant Classification Sherloc (09022015). Collection method: clinical testing. Allele origin: germline.
Comment: This sequence change replaces alanine, which is neutral and non-polar, with serine, which is neutral and polar, at codon 26 of the CRTAP protein (p.Ala26Ser). This variant is present in population databases (rs764835791, gnomAD 0.02%). This variant has not been reported in the literature in individuals affected with CRTAP-related conditions. An algorithm developed to predict the effect of missense changes on protein structure and function (PolyPhen-2) suggests that this variant¬†is likely to be tolerated. In summary, the available evidence is currently insufficient to determine the role of this variant in disease. Therefore, it has been classified as a Variant of Uncertain Significance.

Ambry Genetics
Classification: Uncertain significance for Inborn genetic diseases. Last evaluated: 2024-12-16. Review status: criteria provided, single submitter. Criteria: Ambry Variant Classification Scheme 2023. Collection method: clinical testing. Allele origin: germline.

GeneDx
Classification: Uncertain significance. Last evaluated: 2024-07-24. Review status: criteria provided, single submitter. Criteria: GeneDx Variant Classification Process June 2021. Collection method: clinical testing. Allele origin: germline. Affected: yes.
Comment: In silico analysis indicates that this missense variant does not alter protein structure/function; Has not been previously published as pathogenic or benign to our knowledge